The following is an entry in ClinVar:

NM_004385.5(VCAN):c.9310T>A (p.Cys3104Ser)

Genes: VCAN (versican; plus strand), VCAN-AS1 (VCAN antisense RNA 1; minus strand). Cytogenetic location: 5q14.3.
Variant type: single nucleotide variant.
Coding change: c.9310T>A on transcript NM_004385.5 (MANE Select); coding-DNA position 9310, T replaced by A.
Protein change: p.Cys3104Ser; replaces cysteine 3104 with serine.
Molecular consequence: missense variant.
Genome position (GRCh38, 1-based): chr5:83,545,581, T>A. VCF-style: chr5-83545581-T-A. GRCh37 (hg19) VCF-style: chr5-82841400-T-A.
Other names: c.1087T>A, p.Cys363Ser (NM_001126336.3); c.6349T>A, p.Cys2117Ser (NM_001164097.2); c.4048T>A, p.Cys1350Ser (NM_001164098.2); short protein forms C1350S, C363S, C2117S, C3104S.
Identifiers: ClinVar variation 3659742 (VCV003659742.2).

ClinVar aggregate classification (germline): Uncertain significance (1 of 4 stars; one submission).

Submission:

Labcorp Genetics (formerly Invitae), Labcorp
Classification: Uncertain significance. Last evaluated: 2024-07-17. Review status: criteria provided, single submitter. Criteria: Invitae Variant Classification Sherloc (09022015). Collection method: clinical testing. Allele origin: germline.
Comment: This sequence change replaces cysteine, which is neutral and slightly polar, with serine, which is neutral and polar, at codon 3104 of the VCAN protein (p.Cys3104Ser). This variant is not present in population databases (gnomAD no frequency). This variant has not been reported in the literature in individuals affected with VCAN-related conditions. An algorithm developed to predict the effect of missense changes on protein structure and function (PolyPhen-2) suggests that this variant is likely to be disruptive. In summary, the available evidence is currently insufficient to determine the role of this variant in disease. Therefore, it has been classified as a Variant of Uncertain Significance.